The following is an entry in ClinVar:

ClinVar aggregate classification (germline): Uncertain significance (1 of 4 stars; one submission).

gnomAD v4.1: 1 of 1,614,194 alleles (0.000062%); highest among the groups gnomAD compares: Non-Finnish European, 0.000085%; no homozygotes.

Submission:

Mayo Clinic Laboratories, Mayo Clinic
Classification: Uncertain significance. Last evaluated: 2025-03-20. Review status: criteria provided, single submitter. Criteria: ACMG Guidelines, 2015. Collection method: clinical testing. Allele origin: germline. Observed: 1 variant allele.
Comment: BP4_moderate, PM2_supporting

NM_000037.4(ANK1):c.4828C>T (p.Pro1610Ser)

Gene: ANK1 (ankyrin 1; minus strand). Cytogenetic location: 8p11.21.
Variant type: single nucleotide variant.
Coding change: c.4828C>T on transcript NM_000037.4 (MANE Select); coding-DNA position 4828, C replaced by T.
Protein change: p.Pro1610Ser; replaces proline 1610 with serine.
Molecular consequence: missense variant. On other transcripts: intron variant (1).
Genome position (GRCh38, 1-based): chr8:41,672,622, G>A on the plus strand (C>T on the coding strand, the complement: ANK1 is on the minus strand). VCF-style: chr8-41672622-G-A. GRCh37 (hg19) VCF-style: chr8-41530140-G-A.
Other names: p.Pro1610Ser; c.4951C>T, p.Pro1651Ser (NM_001142446.2); c.4828C>T, p.Pro1610Ser (NM_020475.3, NM_020476.3); c.4538-196C>T (NM_020477.3); short protein forms P1610S, P1651S.
Identifiers: ClinVar variation 4541356 (VCV004541356.1).